The following is an entry in ClinVar:

NM_000384.3(APOB):c.665T>C (p.Ile222Thr)

Gene: APOB (apolipoprotein B; minus strand). Cytogenetic location: 2p24.1.
Variant type: single nucleotide variant.
Coding change: c.665T>C on transcript NM_000384.3 (MANE Select); coding-DNA position 665, T replaced by C.
Protein change: p.Ile222Thr; replaces isoleucine 222 with threonine.
Molecular consequence: missense variant.
Genome position (GRCh38, 1-based): chr2:21,037,128, A>G on the plus strand (T>C on the coding strand, the complement: APOB is on the minus strand). VCF-style: chr2-21037128-A-G. GRCh37 (hg19) VCF-style: chr2-21260000-A-G.
Other names: short protein forms I222T.
Identifiers: ClinVar variation 919761 (VCV000919761.8), dbSNP rs779042504, ClinGen allele CA063433.

ClinVar aggregate classification (germline): Uncertain significance. Review status: criteria provided, multiple submitters, no conflicts (2 of 4 stars). 2 submissions from 2 submitters: Uncertain significance (2). Last evaluated 2025-11-02.

Conditions:
Cardiovascular phenotype. Identifiers: MedGen CN230736.
Familial hypobetalipoproteinemia 1. Also called: Hypobetalipoproteinemia, normotriglyceridemic; Acanthocytosis with hypobetalipoproteinemia; APOB-Related Familial Hypobetalipoproteinemia. Identifiers: MedGen C4551990, MONDO:0014252, OMIM 615558.
Hypercholesterolemia, autosomal dominant, type B (FHCL2). Also called: Familial Hypercholesterolemia Type B; HYPERCHOLESTEROLEMIA, FAMILIAL, DUE TO LIGAND-DEFECTIVE APOLIPOPROTEIN B; Familial hypercholesterolemia 2; APOB-Related Familial Hypercholesterolemia, Autosomal Dominant; APOLIPOPROTEIN B-100, FAMILIAL DEFECTIVE; APOLIPOPROTEIN B-100, FAMILIAL LIGAND-DEFECTIVE. Identifiers: MedGen C1704417, MONDO:0007751, OMIM 144010.

Allele frequency attached by ClinVar (database versions not stated): gnomAD exomes below 0.00001; ExAC 0.00001.
gnomAD v4.1: 1 of 1,614,226 alleles (0.000062%); highest among the groups gnomAD compares: East Asian, 0.0022%; no homozygotes.

Submissions (2):

Ambry Genetics
Classification: Uncertain significance for Cardiovascular phenotype. Last evaluated: 2025-11-02. Review status: criteria provided, single submitter. Criteria: Ambry Variant Classification Scheme 2023. Collection method: clinical testing. Allele origin: germline.
Comment: The p.I222T variant (also known as c.665T>C), located in coding exon 6 of the APOB gene, results from a T to C substitution at nucleotide position 665. The isoleucine at codon 222 is replaced by threonine, an amino acid with similar properties. This amino acid position is conserved. In addition, this alteration is predicted to be tolerated by in silico analysis. Based on the available evidence, the clinical significance of this variant remains unclear.

Labcorp Genetics (formerly Invitae), Labcorp
Classification: Uncertain significance for Familial hypobetalipoproteinemia 1; Hypercholesterolemia, autosomal dominant, type B. Last evaluated: 2022-03-01. Review status: criteria provided, single submitter. Criteria: Invitae Variant Classification Sherloc (09022015). Collection method: clinical testing. Allele origin: germline.
Comment: This sequence change replaces isoleucine, which is neutral and non-polar, with threonine, which is neutral and polar, at codon 222 of the APOB protein (p.Ile222Thr). This variant is present in population databases (rs779042504, gnomAD 0.006%). This variant has not been reported in the literature in individuals affected with APOB-related conditions. ClinVar contains an entry for this variant (Variation ID: 919761). Algorithms developed to predict the effect of missense changes on protein structure and function output the following: SIFT: "Deleterious"; PolyPhen-2: "Benign"; Align-GVGD: "Class C0". The threonine amino acid residue is found in multiple mammalian species, which suggests that this missense change does not adversely affect protein function. In summary, the available evidence is currently insufficient to determine the role of this variant in disease. Therefore, it has been classified as a Variant of Uncertain Significance.